The following is an entry in ClinVar:

ClinVar aggregate classification (germline): Pathogenic (1 of 4 stars; one submission).

Conditions:
Ataxia-telangiectasia syndrome (AT). Also called: Ataxia-telangiectasia, complementation group D; AT, COMPLEMENTATION GROUP C; ATAXIA-TELANGIECTASIA, COMPLEMENTATION GROUP A; ATAXIA-TELANGIECTASIA, FRESNO VARIANT; Ataxia-telangiectasia; LOUIS-BAR SYNDROME. Identifiers: Orphanet 100, MedGen C0004135, MONDO:0008840, OMIM 208900.

Submission:

Labcorp Genetics (formerly Invitae), Labcorp
Classification: Pathogenic for Ataxia-telangiectasia syndrome. Last evaluated: 2019-11-21. Review status: criteria provided, single submitter. Criteria: Invitae Variant Classification Sherloc (09022015). Collection method: clinical testing. Allele origin: germline.
Comment: For these reasons, this variant has been classified as Pathogenic. Loss-of-function variants in ATM are known to be pathogenic (PMID: 23807571, 25614872). This variant has not been reported in the literature in individuals with ATM-related conditions. ClinVar contains an entry for this variant (Variation ID: 643456). This variant is not present in population databases (ExAC no frequency). This sequence change creates a premature translational stop signal (p.Tyr2398*) in the ATM gene. It is expected to result in an absent or disrupted protein product.

Literature cited by the submitters: PubMed 23807571; PubMed 25614872.

NM_000051.4(ATM):c.7194C>A (p.Tyr2398Ter)

Genes: ATM (ATM serine/threonine kinase; plus strand), C11orf65 (chromosome 11 open reading frame 65; minus strand). Cytogenetic location: 11q22.3.
Variant type: single nucleotide variant.
Coding change: c.7194C>A on transcript NM_000051.4 (MANE Select); coding-DNA position 7194, C replaced by A.
Protein change: p.Tyr2398Ter; replaces tyrosine 2398 with a stop codon.
Molecular consequence: nonsense. On other transcripts: intron variant (2).
Genome position (GRCh38, 1-based): chr11:108,329,125, C>A. VCF-style: chr11-108329125-C-A. GRCh37 (hg19) VCF-style: chr11-108199852-C-A.
Other names: c.7194C>A, p.Tyr2398Ter (NM_001351834.2); c.641-20054G>T (NM_001330368.2); c.*38+6095G>T (NM_001351110.2); short protein forms Y2398*.
Identifiers: ClinVar variation 643456 (VCV000643456.9), dbSNP rs1591151199, ClinGen allele CA382559599.